The following is an entry in ClinVar:

ClinVar aggregate classification (germline): Uncertain significance (1 of 4 stars; one submission).

Conditions:
Cardiomyopathy (CMYO). Also called: Cardiomyopathies. Identifiers: Orphanet 167848, MedGen C0878544, MONDO:0004994, HP:0001638. Inheritance: Various modes of inheritance.

Allele frequency attached by ClinVar (database versions not stated): gnomAD exomes below 0.00001.

Submission:

Color Diagnostics, LLC DBA Color Health
Classification: Uncertain significance for Cardiomyopathy. Last evaluated: 2024-03-07. Review status: criteria provided, single submitter. Criteria: ACMG Guidelines, 2015. Collection method: clinical testing. Allele origin: germline.
Comment: This missense variant replaces valine with alanine at codon 71 of the MYH7 protein. Computational prediction suggests that this variant may have deleterious impact on protein structure and function (internally defined REVEL score threshold >= 0.7, PMID: 27666373). To our knowledge, functional studies have not been reported for this variant. This variant has not been reported in individuals affected with cardiovascular disorders in the literature. This variant has been identified in 1/251362 chromosomes in the general population by the Genome Aggregation Database (gnomAD). The available evidence is insufficient to determine the role of this variant in disease conclusively. Therefore, this variant is classified as a Variant of Uncertain Significance.

NM_000257.4(MYH7):c.212T>C (p.Val71Ala)

Gene: MYH7 (myosin heavy chain 7; minus strand). Cytogenetic location: 14q11.2.
Variant type: single nucleotide variant.
Coding change: c.212T>C on transcript NM_000257.4 (MANE Select); coding-DNA position 212, T replaced by C.
Protein change: p.Val71Ala; replaces valine 71 with alanine.
Molecular consequence: missense variant.
Genome position (GRCh38, 1-based): chr14:23,433,217, A>G on the plus strand (T>C on the coding strand, the complement: MYH7 is on the minus strand). VCF-style: chr14-23433217-A-G. GRCh37 (hg19) VCF-style: chr14-23902426-A-G.
Other names: short protein forms V71A.
Identifiers: ClinVar variation 1331741 (VCV001331741.3), dbSNP rs1376905623, ClinGen allele CA389053497.